The following is an entry in ClinVar:

NC_000011.9:g.(?_64571796)_(64572298_?)del

Gene: MEN1 (menin 1; minus strand). Cytogenetic location: 11q13.1.
Variant type: Deletion.
Identifiers: ClinVar variation 1459475 (VCV001459475.5).

ClinVar aggregate classification (germline): Pathogenic (1 of 4 stars; one submission).

Conditions:
Multiple endocrine neoplasia, type 1 (MEN1). Also called: Endocrine adenomatosis multiple; MEN 1; MEA I; MEN I; WERMER SYNDROME. Identifiers: Orphanet 652, MedGen C0025267, MeSH D018761, MONDO:0007540, OMIM 131100.

Submission:

Labcorp Genetics (formerly Invitae), Labcorp
Classification: Pathogenic for Multiple endocrine neoplasia, type 1. Last evaluated: 2021-08-09. Review status: criteria provided, single submitter. Criteria: Invitae Variant Classification Sherloc (09022015). Collection method: clinical testing. Allele origin: germline.
Comment: This variant is a gross deletion of the genomic region encompassing exon(s) 10 of the MEN1 gene, which includes the termination codon. This deletion extends beyond the assayed region for this gene and therefore may encompass additional genes. While this deletion is not anticipated to lead to nonsense mediated decay, it is expected to alter mRNA translation or result in a truncated protein product. A similar copy number variant has been observed in individual(s) with multiple endocrine neoplasia (PMID: 17623761, 28818680, 29036195). This variant disrupts the NLS2 domain of the MEN1 protein, which is important for DNA binding and repression of cell proliferation (PMID:¬†15331604, 16449969). While functional studies have not been performed to directly test the effect of this variant on MEN1 protein function, this suggests that disruption of this region of the protein is causative of disease. For these reasons, this variant has been classified as Pathogenic.

Literature cited by the submitters: PubMed 17623761; PubMed 28818680; PubMed 29036195.